The following is an entry in ClinVar:

ClinVar aggregate classification (germline): Uncertain significance (1 of 4 stars; one submission).

Submission:

GeneDx
Classification: Uncertain significance. Last evaluated: 2023-10-26. Review status: criteria provided, single submitter. Criteria: GeneDx Variant Classification Process June 2021. Collection method: clinical testing. Allele origin: germline. Affected: yes.
Comment: Not observed at significant frequency in large population cohorts (gnomAD); In silico analysis supports that this missense variant does not alter protein structure/function; Has not been previously published as pathogenic or benign to our knowledge

NM_000276.4(OCRL):c.611A>G (p.Asn204Ser)

Gene: OCRL (OCRL inositol polyphosphate-5-phosphatase; plus strand). Cytogenetic location: Xq26.1.
Variant type: single nucleotide variant.
Coding change: c.611A>G on transcript NM_000276.4 (MANE Select); coding-DNA position 611, A replaced by G.
Protein change: p.Asn204Ser; replaces asparagine 204 with serine.
Molecular consequence: missense variant.
Genome position (GRCh38, 1-based): chrX:129,558,890, A>G. VCF-style: chrX-129558890-A-G. GRCh37 (hg19) VCF-style: chrX-128692867-A-G.
Other names: c.614A>G, p.Asn205Ser (NM_001318784.2); c.611A>G, p.Asn204Ser (NM_001587.4); short protein forms N204S, N205S.
Identifiers: ClinVar variation 3363626 (VCV003363626.1).